The following is an entry in ClinVar:

NM_152490.5(B3GALNT2):c.1035AAC[1] (p.Thr347del)

Gene: B3GALNT2 (beta-1,3-N-acetylgalactosaminyltransferase 2; minus strand). Cytogenetic location: 1q42.3.
Variant type: Microsatellite.
Coding change: c.1035AAC[1] on transcript NM_152490.5 (MANE Select); one copy of the 3-base unit AAC starting at c.1035; the reference has two copies in a row; one copy, 3 bases deleted.
Protein change: p.Thr347del; deletes threonine 347.
Molecular consequence: inframe deletion.
Genome position (GRCh38, 1-based): chr1:235,455,670-235,455,672, GTT deleted on the plus strand (AAC on the coding strand, the reverse complement: B3GALNT2 is on the minus strand); deleting any 3 consecutive bases within chr1:235,455,670-235,455,675 gives the same sequence; the position shown is the placement nearest the transcript's 3' end. VCF-style (leftmost placement, unchanged base first): chr1-235455669-CGTT-C. GRCh37 (hg19) VCF-style: chr1-235618981-CGTT-C.
Other names: short protein forms T347del.
Identifiers: ClinVar variation 1474110 (VCV001474110.8), dbSNP rs2102784848, ClinGen allele CA2574159644.

ClinVar aggregate classification (germline): Uncertain significance (1 of 4 stars; one submission).

Conditions:
Muscular dystrophy-dystroglycanopathy (congenital with brain and eye anomalies), type a, 11 (MDDGA11). Also called: WALKER-WARBURG SYNDROME OR MUSCLE-EYE-BRAIN DISEASE, B3GALNT2-RELATED; Congenital muscular dystrophy-dystroglycanopathy with brain and eye anomalies, type A11; Muscular dystrophy-dystroglycanopathy (congenital with brain and eye anomalies, type A, 11. Identifiers: Orphanet 588, Orphanet 899, MedGen C3554638, MONDO:0014071, OMIM 615181.

Submission:

Labcorp Genetics (formerly Invitae), Labcorp
Classification: Uncertain significance for Muscular dystrophy-dystroglycanopathy (congenital with brain and eye anomalies), type a, 11. Last evaluated: 2022-10-17. Review status: criteria provided, single submitter. Criteria: Invitae Variant Classification Sherloc (09022015). Collection method: clinical testing. Allele origin: germline.
Comment: This variant has not been reported in the literature in individuals affected with B3GALNT2-related conditions. This variant is not present in population databases (gnomAD no frequency). This variant, c.1038_1040del, results in the deletion of 1 amino acid(s) of the B3GALNT2 protein (p.Thr347del), but otherwise preserves the integrity of the reading frame. Experimental studies and prediction algorithms are not available or were not evaluated, and the functional significance of this variant is currently unknown. In summary, the available evidence is currently insufficient to determine the role of this variant in disease. Therefore, it has been classified as a Variant of Uncertain Significance.